The following is an entry in ClinVar:

NM_014159.7(SETD2):c.3142G>A (p.Glu1048Lys)

Gene: SETD2 (SET domain containing 2, histone lysine methyltransferase; minus strand). Cytogenetic location: 3p21.31.
Variant type: single nucleotide variant.
Coding change: c.3142G>A on transcript NM_014159.7 (MANE Select); coding-DNA position 3142, G replaced by A.
Protein change: p.Glu1048Lys; replaces glutamic acid 1048 with lysine.
Molecular consequence: missense variant. On other transcripts: non-coding transcript variant (1).
Genome position (GRCh38, 1-based): chr3:47,121,494, C>T on the plus strand (G>A on the coding strand, the complement: SETD2 is on the minus strand). VCF-style: chr3-47121494-C-T. GRCh37 (hg19) VCF-style: chr3-47162984-C-T.
Other names: c.3010G>A, p.Glu1004Lys (NM_001349370.3); short protein forms E1048K, E1004K.
Identifiers: ClinVar variation 135234 (VCV000135234.1), dbSNP rs587778674, ClinGen allele CA162095.
Genomic context (GRCh38, chr3:47,121,494, plus strand): 5'-ACTGGAGACGGTTTCTTGGAATACTGCTATCATCCGAATCTGTATCTTCTGAATCACTTT[C>T]ATCATTTGAACTTTCAGAAGAGCCAGAATAATCTTCATGAACTGTAGACACAATTTCTGG-3'
Protein context (NP_054878.5, residues 1038-1058): YSGSSESSND[Glu1048Lys]SDSEDTDSDD

ClinVar aggregate classification (germline): not provided (0 of 4 stars; one submission).

Submission:

ITMI
No classification provided. Condition: AllHighlyPenetrant. Last evaluated: 2013-09-19. Review status: no classification provided. Collection method: reference population. Allele origin: germline.
Comment: Please see associated publication for description of ethnicities

Literature cited by the submitters: PubMed 24728327.